The following is an entry in ClinVar:

ClinVar aggregate classification (germline): Uncertain significance (1 of 4 stars; one submission).

Submission:

Women's Health and Genetics/Laboratory Corporation of America, LabCorp
Classification: Uncertain significance. Last evaluated: 2025-07-08. Review status: criteria provided, single submitter. Criteria: LabCorp Variant Classification Summary - May 2015. Collection method: clinical testing. Allele origin: germline.
Comment: Variant summary: F8 c.2114G>A (p.Gly705Asp) results in a non-conservative amino acid change in the encoded protein sequence. Algorithms developed to predict the effect of missense changes on protein structure and function all suggest that this variant is likely to be disruptive. Consensus agreement among computation tools predict no significant impact on normal splicing. However, these predictions have yet to be confirmed by functional studies. The variant was absent in 180730 control chromosomes. The available data on variant occurrences in the general population are insufficient to allow any conclusion about variant significance.c.2114G>A has been observed in multiple individuals from one family affected with severe Factor VIII Deficiency (Hemophilia A) without reported sex/genotypes (e.g. Debeljak_2012). This report does not provide unequivocal conclusions about association of the variant with Factor VIII Deficiency (Hemophilia A). To our knowledge, no experimental evidence demonstrating an impact on protein function has been reported. The following publication has been ascertained in the context of this evaluation (PMID: 22958177). ClinVar contains an entry for this variant (Variation ID: 3339482). Based on the evidence outlined above, the variant was classified as uncertain significance.

Literature cited by the submitters: PubMed 22958177.

NM_000132.4(F8):c.2114G>A (p.Gly705Asp)

Gene: F8 (coagulation factor VIII; minus strand). Cytogenetic location: Xq28.
Variant type: single nucleotide variant.
Coding change: c.2114G>A on transcript NM_000132.4 (MANE Select); coding-DNA position 2114, G replaced by A.
Protein change: p.Gly705Asp; replaces glycine 705 with aspartic acid.
Molecular consequence: missense variant.
Genome position (GRCh38, 1-based): chrX:154,931,676, C>T on the plus strand (G>A on the coding strand, the complement: F8 is on the minus strand). VCF-style: chrX-154931676-C-T. GRCh37 (hg19) VCF-style: chrX-154159951-C-T.
Other names: short protein forms G705D.
Identifiers: ClinVar variation 3339482 (VCV003339482.2).